The following is an entry in ClinVar:

ClinVar aggregate classification (germline): Likely benign. Review status: criteria provided, multiple submitters, no conflicts (2 of 4 stars). 3 submissions from 3 submitters: Likely benign (3). Last evaluated 2026-06-22.

Conditions:
Cardiovascular phenotype. Identifiers: MedGen CN230736.
Alstrom syndrome (ALMS). Identifiers: Orphanet 64, MedGen C0268425, MONDO:0008763, OMIM 203800.
ALMS1-related disorder. Also called: ALMS1-related condition.

gnomAD v4.1: 1 of 1,614,188 alleles (0.000062%); no homozygotes.

Submissions (3):

PreventionGenetics, part of Exact Sciences
Classification: Likely benign for ALMS1-related condition. Last evaluated: 2026-06-22. Review status: criteria provided, single submitter. Criteria: ACMG Guidelines, 2015. Collection method: clinical testing. Allele origin: germline.
Comment: This variant is classified as likely benign based on ACMG/AMP sequence variant interpretation guidelines (Richards et al. 2015 PMID: 25741868, with internal and published modifications).

Labcorp Genetics (formerly Invitae), Labcorp
Classification: Likely benign for Alstrom syndrome. Last evaluated: 2025-05-17. Review status: criteria provided, single submitter. Criteria: Invitae Variant Classification Sherloc (09022015). Collection method: clinical testing. Allele origin: germline.

Ambry Genetics
Classification: Likely benign for Cardiovascular phenotype. Last evaluated: 2025-01-28. Review status: criteria provided, single submitter. Criteria: Ambry Variant Classification Scheme 2023. Collection method: clinical testing. Allele origin: germline.

NM_001378454.1(ALMS1):c.9336A>G (p.Glu3112=)

Gene: ALMS1 (ALMS1 centrosome and basal body associated protein; plus strand). Cytogenetic location: 2p13.1.
Variant type: single nucleotide variant.
Coding change: c.9336A>G on transcript NM_001378454.1 (MANE Select); coding-DNA position 9336, A replaced by G.
Protein change: p.Glu3112=; no amino-acid change (glutamic acid 3112 retained).
Molecular consequence: synonymous variant.
Genome position (GRCh38, 1-based): chr2:73,491,295, A>G. VCF-style: chr2-73491295-A-G. GRCh37 (hg19) VCF-style: chr2-73718422-A-G.
Other names: c.9339A>G, p.Glu3113= (NM_015120.4).
Identifiers: ClinVar variation 3857498 (VCV003857498.3).